The following is an entry in ClinVar:

NM_201631.4(TGM5):c.1773C>T (p.Asp591=)

Gene: TGM5 (transglutaminase 5; minus strand). Cytogenetic location: 15q15.2.
Variant type: single nucleotide variant.
Coding change: c.1773C>T on transcript NM_201631.4 (MANE Select); coding-DNA position 1773, C replaced by T.
Protein change: p.Asp591=; no amino-acid change (aspartic acid 591 retained).
Molecular consequence: synonymous variant.
Genome position (GRCh38, 1-based): chr15:43,234,871, G>A on the plus strand (C>T on the coding strand, the complement: TGM5 is on the minus strand). VCF-style: chr15-43234871-G-A. GRCh37 (hg19) VCF-style: chr15-43527069-G-A.
Other names: c.1527C>T, p.Asp509= (NM_004245.4).
Identifiers: ClinVar variation 316039 (VCV000316039.36), dbSNP rs142648722, ClinGen allele CA7520885.
Genomic context (GRCh38, chr15:43,234,871, plus strand): 5'-CACCAGGATTTTCTCAGGACTGCTTTTCTCTTCACCCAGGGCACTGATGCGGATCAGCTT[G>A]TCTGTTGACAGGTACTGGCTGTACTGGGAATAGGAGATTTTGCAGGGGTAGGTCTTTGCT-3'
Protein context (NP_963925.2, residues 581-601): YSQYSQYLST[Asp591=]KLIRISALGE

ClinVar aggregate classification (germline): Benign/Likely benign. Review status: criteria provided, multiple submitters, no conflicts (2 of 4 stars). 6 submissions from 6 submitters: Benign (1); Likely benign (4). 1 of the submissions does not count toward it. Last evaluated 2025-02-01.

Conditions:
Acral peeling skin syndrome. Also called: Peeling skin syndrome 2. Identifiers: Orphanet 263534, MedGen C1853354, MONDO:0012345, OMIM 609796.
TGM5-related disorder. Also called: TGM5-related condition.

Allele frequency attached by ClinVar (database versions not stated): 1000 Genomes Project 30x 0.00016; 1000 Genomes Project 0.00020; TOPMed 0.00213; gnomAD 0.00229 and 0.00234; gnomAD exomes 0.00234 and 0.00331; ExAC 0.00249; ESP Exome Variant Server 0.00346.
gnomAD v4.1: 5,137 of 1,614,242 alleles (0.32%); highest among the groups gnomAD compares: Non-Finnish European, 0.4%; 9 homozygotes.

Submissions (6):

CeGaT Center for Human Genetics Tuebingen
Classification: Likely benign. Last evaluated: 2025-02-01. Review status: criteria provided, single submitter. Criteria: CeGaT Center For Human Genetics Tuebingen Variant Classification Criteria Version 2. Collection method: clinical testing. Allele origin: germline. Affected: yes. Observed: 2 variant alleles.
Comment: TGM5: BP4, BS2

Blueprint Genetics
Classification: Likely benign. Last evaluated: 2024-11-12. Review status: criteria provided, single submitter. Criteria: ACMG Guidelines, 2015. Collection method: clinical testing. Allele origin: germline.

Labcorp Genetics (formerly Invitae), Labcorp
Classification: Benign. Last evaluated: 2019-12-31. Review status: criteria provided, single submitter. Criteria: Invitae Variant Classification Sherloc (09022015). Collection method: clinical testing. Allele origin: germline.

Illumina Laboratory Services, Illumina
Classification: Likely benign for Acral peeling skin syndrome. Last evaluated: 2018-01-12. Review status: criteria provided, single submitter. Criteria: ICSL Variant Classification Criteria 13 December 2019. Collection method: clinical testing. Allele origin: germline.
Comment: This variant was observed in the ICSL laboratory as part of a predisposition screen in an ostensibly healthy population. It had not been previously curated by ICSL or reported in the Human Gene Mutation Database (HGMD: prior to June 1st, 2018), and was therefore a candidate for classification through an automated scoring system. Utilizing variant allele frequency, disease prevalence and penetrance estimates, and inheritance mode, an automated score was calculated to assess if this variant is too frequent to cause the disease. Based on the score and internal cut-off values, a variant classified as likely benign is not then subjected to further curation. The score for this variant resulted in a classification of likely benign for this disease.

Breakthrough Genomics
Classification: Likely benign. Review status: criteria provided, single submitter. Criteria: ACMG Guidelines, 2015. Collection method: not provided. Allele origin: germline. Inheritance: Autosomal recessive inheritance. Affected: yes.

PreventionGenetics, part of Exact Sciences
Classification: Likely benign for TGM5-related condition. Last evaluated: 2023-12-15. Review status: no assertion criteria provided. Collection method: clinical testing. Allele origin: germline. Not counted in ClinVar's aggregate classification.
Comment: This variant is classified as likely benign based on ACMG/AMP sequence variant interpretation guidelines (Richards et al. 2015 PMID: 25741868, with internal and published modifications).